The following is an entry in ClinVar:

ClinVar aggregate classification (germline): Uncertain significance. Review status: criteria provided, multiple submitters, no conflicts (2 of 4 stars). 2 submissions from 2 submitters: Uncertain significance (2). Last evaluated 2023-11-14.

Conditions:
Nephrolithiasis/nephrocalcinosis. Identifiers: MedGen CN580796.
Autosomal dominant hypocalcemia 1 (HYPOC1). Also called: HYPOCALCEMIA, FAMILIAL. Identifiers: MedGen C3715128, MONDO:0011013, OMIM 601198.
Familial hypocalciuric hypercalcemia (FHH). Also called: Familial benign hypercalcemia. Identifiers: Orphanet 405, MedGen C1809471, MONDO:0018458.

Submissions (2):

Labcorp Genetics (formerly Invitae), Labcorp
Classification: Uncertain significance for Familial hypocalciuric hypercalcemia; Autosomal dominant hypocalcemia 1. Last evaluated: 2023-11-14. Review status: criteria provided, single submitter. Criteria: Invitae Variant Classification Sherloc (09022015). Collection method: clinical testing. Allele origin: germline.
Comment: This sequence change replaces isoleucine, which is neutral and non-polar, with phenylalanine, which is neutral and non-polar, at codon 452 of the CASR protein (p.Ile452Phe). This variant is not present in population databases (gnomAD no frequency). This variant has not been reported in the literature in individuals affected with CASR-related conditions. An algorithm developed to predict the effect of missense changes on protein structure and function (PolyPhen-2) suggests that this variant is likely to be disruptive. In summary, the available evidence is currently insufficient to determine the role of this variant in disease. Therefore, it has been classified as a Variant of Uncertain Significance.

Ambry Genetics
Classification: Uncertain significance for Nephrolithiasis/nephrocalcinosis. Last evaluated: 2023-06-30. Review status: criteria provided, single submitter. Criteria: Ambry Variant Classification Scheme 2023. Collection method: clinical testing. Allele origin: germline.
Comment: The p.I452F variant (also known as c.1354A>T), located in coding exon 3 of the CASR gene, results from an A to T substitution at nucleotide position 1354. The isoleucine at codon 452 is replaced by phenylalanine, an amino acid with highly similar properties. This amino acid position is conserved. In addition, the in silico prediction for this alteration is inconclusive. Since supporting evidence is limited at this time, the clinical significance of this alteration remains unclear.

NM_000388.4(CASR):c.1354A>T (p.Ile452Phe)

Gene: CASR (calcium sensing receptor; plus strand). Cytogenetic location: 3q21.1.
Variant type: single nucleotide variant.
Coding change: c.1354A>T on transcript NM_000388.4 (MANE Select); coding-DNA position 1354, A replaced by T.
Protein change: p.Ile452Phe; replaces isoleucine 452 with phenylalanine.
Molecular consequence: missense variant.
Genome position (GRCh38, 1-based): chr3:122,262,389, A>T. VCF-style: chr3-122262389-A-T. GRCh37 (hg19) VCF-style: chr3-121981236-A-T.
Other names: c.1354A>T, p.Ile452Phe (NM_001178065.2); c.1354A>T (NM_000388.3); short protein forms I452F.
Identifiers: ClinVar variation 2953825 (VCV002953825.4), dbSNP rs756206452, ClinGen allele CA354153289.